The following is an entry in ClinVar:

NM_004990.4(MARS1):c.771-1G>A

Gene: MARS1 (methionyl-tRNA synthetase 1; plus strand). Cytogenetic location: 12q13.3.
Variant type: single nucleotide variant.
Coding change: c.771-1G>A on transcript NM_004990.4 (MANE Select); the canonical splice acceptor site of the intron before coding-DNA position 771, G replaced by A.
Molecular consequence: splice acceptor variant.
Genome position (GRCh38, 1-based): chr12:57,498,156, G>A. VCF-style: chr12-57498156-G-A. GRCh37 (hg19) VCF-style: chr12-57891939-G-A.
Identifiers: ClinVar variation 3348047 (VCV003348047.1).
Genomic context (GRCh38, chr12:57,498,156, plus strand): 5'-TTTCGTCCCTGTTGACCCTCACATCCCCCCATGCACTGTTCTCTTCCTCTTTCCTTACTA[G>A]GTTGCCTGTGGCTGGAGAAAGGAATGTGCTCATCACCAGTGCCCTCCCTTACGTCAACAA-3'

ClinVar aggregate classification (germline): Uncertain significance (0 of 4 stars; one submission).

Conditions:
MARS1-related disorder. Also called: MARS1-related condition.

Submission:

PreventionGenetics, part of Exact Sciences
Classification: Uncertain significance for MARS1-related condition. Last evaluated: 2024-04-09. Review status: no assertion criteria provided. Collection method: clinical testing. Allele origin: germline.
Comment: The MARS1 c.771-1G>A variant is predicted to disrupt the AG splice acceptor site and interfere with normal splicing. To our knowledge, this variant has not been reported in the literature or in a large population database, indicating this variant is rare. To our knowledge, no canonical splice variants in this gene have been reported in the literature. This canonical splice variant could result in an in-frame deletion of exon 8, and no missense or smaller in-frame deletion variants within this exon have been reported to be pathogenic. At this time, the clinical significance of this variant is uncertain due to the absence of conclusive functional and genetic evidence.